The following is an entry in ClinVar:

ClinVar aggregate classification (germline): Uncertain significance (1 of 4 stars; one submission).

Conditions:
Episodic ataxia type 2 (EA2). Also called: ATAXIA, EPISODIC, WITH NYSTAGMUS; ATAXIA, FAMILIAL PAROXYSMAL; CEREBELLAR ATAXIA, PAROXYSMAL, ACETAZOLAMIDE-RESPONSIVE; CEREBELLOPATHY, HEREDITARY PAROXYSMAL; EPISODIC ATAXIA, NYSTAGMUS-ASSOCIATED; ACETAZOLAMIDE-RESPONSIVE HEREDITARY PAROXYSMAL CEREBELLAR ATAXIA. Identifiers: Orphanet 97, MedGen C1720416, MONDO:0007163, OMIM 108500.
Developmental and epileptic encephalopathy, 42 (DEE42A). Also called: Epileptic encephalopathy, early infantile, 42; DEVELOPMENTAL AND EPILEPTIC ENCEPHALOPATHY 42A; EPILEPTIC ENCEPHALOPATHY, EARLY INFANTILE, 42A. Identifiers: MedGen C4310716, MONDO:0014917, OMIM 617106.

Submission:

Labcorp Genetics (formerly Invitae), Labcorp
Classification: Uncertain significance for Developmental and epileptic encephalopathy, 42; Episodic ataxia type 2. Last evaluated: 2022-02-23. Review status: criteria provided, single submitter. Criteria: Invitae Variant Classification Sherloc (09022015). Collection method: clinical testing. Allele origin: germline.
Comment: This variant is not present in population databases (gnomAD no frequency). This sequence change replaces valine, which is neutral and non-polar, with glutamic acid, which is acidic and polar, at codon 1721 of the CACNA1A protein (p.Val1721Glu). In summary, the available evidence is currently insufficient to determine the role of this variant in disease. Therefore, it has been classified as a Variant of Uncertain Significance. Advanced modeling of protein sequence and biophysical properties (such as structural, functional, and spatial information, amino acid conservation, physicochemical variation, residue mobility, and thermodynamic stability) performed at Invitae indicates that this missense variant is not expected to disrupt CACNA1A protein function. This variant has not been reported in the literature in individuals affected with CACNA1A-related conditions.

NM_001127222.2(CACNA1A):c.5159T>A (p.Val1720Glu)

Gene: CACNA1A (calcium voltage-gated channel subunit alpha1 A; minus strand). Cytogenetic location: 19p13.13.
Variant type: single nucleotide variant.
Coding change: c.5159T>A on transcript NM_001127222.2 (MANE Select); coding-DNA position 5159, T replaced by A.
Protein change: p.Val1720Glu; replaces valine 1720 with glutamic acid.
Molecular consequence: missense variant.
Genome position (GRCh38, 1-based): chr19:13,235,011, A>T on the plus strand (T>A on the coding strand, the complement: CACNA1A is on the minus strand). VCF-style: chr19-13235011-A-T. GRCh37 (hg19) VCF-style: chr19-13345825-A-T.
Other names: c.5177T>A, p.Val1726Glu (NM_000068.4, NM_023035.3); c.5162T>A, p.Val1721Glu (NM_001127221.2); c.5168T>A, p.Val1723Glu (NM_001174080.2); short protein forms V1721E, V1723E, V1726E, V1720E.
Identifiers: ClinVar variation 2102603 (VCV002102603.4), dbSNP rs2512643962, ClinGen allele CA404335725.